The following is an entry in ClinVar:

ClinVar aggregate classification (germline): Uncertain significance. Review status: criteria provided, multiple submitters, no conflicts (2 of 4 stars). 2 submissions from 2 submitters: Uncertain significance (2). Last evaluated 2023-10-19.

Conditions:
Distal myopathy with posterior leg and anterior hand involvement. Also called: WILLIAMS DISTAL MYOPATHY. Identifiers: Orphanet 63273, MedGen C3279722, MONDO:0013550, OMIM 614065.
Myofibrillar myopathy 5. Also called: Filaminopathy (type); FILAMINOPATHY, AUTOSOMAL DOMINANT. Identifiers: Orphanet 171445, MedGen C1836050, MONDO:0012289, OMIM 609524.
Hypertrophic cardiomyopathy 26. Also called: Cardiomyopathy, familial hypertrophic, 26. Identifiers: Orphanet 75249, MedGen C4310749, MONDO:0014883, OMIM 617047.

Submissions (2):

GeneDx
Classification: Uncertain significance. Last evaluated: 2023-10-19. Review status: criteria provided, single submitter. Criteria: GeneDx Variant Classification Process June 2021. Collection method: clinical testing. Allele origin: germline. Affected: yes.
Comment: Not observed at significant frequency in large population cohorts (gnomAD); In silico analysis supports a deleterious effect on splicing; Has not been previously published as pathogenic or benign to our knowledge

Labcorp Genetics (formerly Invitae), Labcorp
Classification: Uncertain significance for Distal myopathy with posterior leg and anterior hand involvement; Myofibrillar myopathy 5; Hypertrophic cardiomyopathy 26. Last evaluated: 2020-05-10. Review status: criteria provided, single submitter. Criteria: Invitae Variant Classification Sherloc (09022015). Collection method: clinical testing. Allele origin: germline.
Comment: In summary, the available evidence is currently insufficient to determine the role of this variant in disease. Therefore, it has been classified as a Variant of Uncertain Significance. Algorithms developed to predict the effect of sequence changes on RNA splicing suggest that this variant may disrupt the consensus splice site, but this prediction has not been confirmed by published transcriptional studies. This variant has not been reported in the literature in individuals with FLNC-related conditions. This variant is not present in population databases (ExAC no frequency). This sequence change falls in intron 19 of the FLNC gene. It does not directly change the encoded amino acid sequence of the FLNC protein.

NM_001458.5(FLNC):c.2930-5C>G

Gene: FLNC (filamin C; plus strand). Cytogenetic location: 7q32.1.
Variant type: single nucleotide variant.
Coding change: c.2930-5C>G on transcript NM_001458.5 (MANE Select); 5 bases into the intron before coding-DNA position 2930, C replaced by G.
Molecular consequence: intron variant.
Genome position (GRCh38, 1-based): chr7:128,843,999, C>G. VCF-style: chr7-128843999-C-G. GRCh37 (hg19) VCF-style: chr7-128484053-C-G.
Other names: c.2930-5C>G (NM_001127487.2).
Identifiers: ClinVar variation 1058985 (VCV001058985.10), dbSNP rs371599113, ClinGen allele CA2499218736.